The following is an entry in ClinVar:

ClinVar aggregate classification (germline): Uncertain significance (1 of 4 stars; one submission).

Conditions:
Aortic valve disease 2 (AOVD2). Identifiers: MedGen C3542024, MONDO:0013902, OMIM 614823.

Submission:

Labcorp Genetics (formerly Invitae), Labcorp
Classification: Uncertain significance for Aortic valve disease 2. Last evaluated: 2023-12-01. Review status: criteria provided, single submitter. Criteria: Invitae Variant Classification Sherloc (09022015). Collection method: clinical testing. Allele origin: unknown.
Comment: This variant results in a copy number gain of the genomic region encompassing exon(s) 2-7 of the TBX5 gene. This region includes the initiator codon of the gene. This copy number gain extends beyond the assayed region for this gene and therefore may encompass additional genes. As the precise location of this event is unknown, it may be in tandem or it may be located elsewhere in the genome. This variant has not been reported in the literature in individuals affected with TBX5-related conditions. In summary, the available evidence is currently insufficient to determine the role of this variant in disease. Therefore, it has been classified as a Variant of Uncertain Significance.

NC_000012.11:g.(?_114823261)_(114841703_?)dup

Gene: TBX5 (T-box transcription factor 5; minus strand). Cytogenetic location: 12q24.21.
Variant type: Duplication.
Identifiers: ClinVar variation 3244342 (VCV003244342.1).